The following is an entry in ClinVar:

ClinVar aggregate classification (germline): Uncertain significance (1 of 4 stars; one submission).

Conditions:
GNAS-related disorder. Identifiers: MedGen CN380105.

gnomAD v4.1: 5 of 1,581,904 alleles (0.00032%); highest among the groups gnomAD compares: African/African-American, 0.0027%; no homozygotes.

Submission:

PreventionGenetics, part of Exact Sciences
Classification: Uncertain significance for GNAS-related condition. Last evaluated: 2026-03-18. Review status: criteria provided, single submitter. Criteria: ACMG Guidelines, 2015. Collection method: clinical testing. Allele origin: germline.
Comment: The GNAS c.1535G>A variant is predicted to result in the amino acid substitution p.Arg512Gln. To our knowledge, this variant has not been reported in the literature. This variant is reported in 0.0096% of alleles in individuals of African descent in gnomAD. At this time, the clinical significance of this variant is uncertain due to the absence of conclusive functional and genetic evidence.

NM_080425.4(GNAS):c.1535G>A (p.Arg512Gln)

Gene: GNAS (GNAS complex locus; plus strand). Cytogenetic location: 20q13.32.
Variant type: single nucleotide variant.
Coding change: c.1535G>A on transcript NM_080425.4 (MANE Plus Clinical); coding-DNA position 1535, G replaced by A.
Protein change: p.Arg512Gln; replaces arginine 512 with glutamine.
Molecular consequence: missense variant. On other transcripts: intron variant (3).
Genome position (GRCh38, 1-based): chr20:58,854,800, G>A. VCF-style: chr20-58854800-G-A. GRCh37 (hg19) VCF-style: chr20-57429855-G-A.
Other names: c.1348G>A, p.Gly450Arg (NM_001077490.3, NM_001309883.1); c.1535G>A, p.Arg512Gln (NM_001410913.1); c.*42+13914G>A (NM_016592.5); c.43+13914G>A (NM_001410912.1); c.-39+12925G>A (NM_001309861.2); short protein forms G450R, R512Q.
Identifiers: ClinVar variation 4985809 (VCV004985809.1).
Genomic context (GRCh38, chr20:58,854,800, plus strand): 5'-CAGACGCAGGGGCTCCCACTGCCCCAGCCGCTTCTGCCACCCGGGCAGCCCAAGTCCGCC[G>A]GGCGGCCTCTGCAGCCCCTGCCTCCGGGGCCAGACGCAAGATCCATCTCAGACCCCCCAG-3'
Protein context (NP_536350.2, residues 502-522): ASATRAAQVR[Arg512Gln]AASAAPASGA